The following is an entry in ClinVar:

ClinVar aggregate classification (germline): Uncertain significance (1 of 4 stars; one submission).

Conditions:
ALG6-congenital disorder of glycosylation 1C (CDG1C). Also called: CARBOHYDRATE-DEFICIENT GLYCOPROTEIN SYNDROME, TYPE I, WITH DEFICIENT GLYCOSYLATION OF DOLICHOL-LINKED OLIGOSACCHARIDE; CARBOHYDRATE-DEFICIENT GLYCOPROTEIN SYNDROME, TYPE V; Congenital disorder of glycosylation type 1C; Congenital disorder of glycosylation, type Ic; CDG Ic. Identifiers: Orphanet 79320, MedGen C2930997, MONDO:0011291, OMIM 603147.

Allele frequency attached by ClinVar (database versions not stated): gnomAD exomes below 0.00001 and 0.00001; gnomAD 0.00001; TOPMed 0.00001.
gnomAD v4.1: 11 of 1,613,734 alleles (0.00068%); highest among the groups gnomAD compares: Non-Finnish European, 0.00093%; no homozygotes.

Submission:

Labcorp Genetics (formerly Invitae), Labcorp
Classification: Uncertain significance for ALG6-congenital disorder of glycosylation 1C. Last evaluated: 2021-09-30. Review status: criteria provided, single submitter. Criteria: Invitae Variant Classification Sherloc (09022015). Collection method: clinical testing. Allele origin: germline.
Comment: This sequence change replaces phenylalanine with valine at codon 482 of the ALG6 protein (p.Phe482Val). The phenylalanine residue is highly conserved and there is a small physicochemical difference between phenylalanine and valine. This variant is not present in population databases (ExAC no frequency). This variant has not been reported in the literature in individuals with ALG6-related conditions. Algorithms developed to predict the effect of missense changes on protein structure and function are either unavailable or do not agree on the potential impact of this missense change (SIFT: "Deleterious"; PolyPhen-2: "Probably Damaging"; Align-GVGD: "Class C0"). In summary, the available evidence is currently insufficient to determine the role of this variant in disease. Therefore, it has been classified as a Variant of Uncertain Significance.

NM_013339.4(ALG6):c.1444T>G (p.Phe482Val)

Gene: ALG6 (ALG6 alpha-1,3-glucosyltransferase; plus strand). Cytogenetic location: 1p31.3.
Variant type: single nucleotide variant.
Coding change: c.1444T>G on transcript NM_013339.4 (MANE Select); coding-DNA position 1444, T replaced by G.
Protein change: p.Phe482Val; replaces phenylalanine 482 with valine.
Molecular consequence: missense variant.
Genome position (GRCh38, 1-based): chr1:63,436,940, T>G. VCF-style: chr1-63436940-T-G. GRCh37 (hg19) VCF-style: chr1-63902611-T-G.
Other names: short protein forms F482V.
Identifiers: ClinVar variation 1418067 (VCV001418067.5), dbSNP rs1215619833, ClinGen allele CA340641921.